The following is an entry in ClinVar:

ClinVar aggregate classification (germline): Uncertain significance (1 of 4 stars; one submission).

Allele frequency attached by ClinVar (database versions not stated): TOPMed below 0.00001; gnomAD 0.00001; gnomAD exomes 0.00001; ESP Exome Variant Server 0.00008.
gnomAD v4.1: 29 of 1,610,226 alleles (0.0018%); highest among the groups gnomAD compares: South Asian, 0.0066%; no homozygotes.

Submission:

Labcorp Genetics (formerly Invitae), Labcorp
Classification: Uncertain significance. Last evaluated: 2019-10-04. Review status: criteria provided, single submitter. Criteria: Invitae Variant Classification Sherloc (09022015). Collection method: clinical testing. Allele origin: germline.
Comment: This variant is not present in population databases (ExAC no frequency). In summary, the available evidence is currently insufficient to determine the role of this variant in disease. Therefore, it has been classified as a Variant of Uncertain Significance. Algorithms developed to predict the effect of missense changes on protein structure and function are either unavailable or do not agree on the potential impact of this missense change (SIFT: "Deleterious"; PolyPhen-2: "Benign"; Align-GVGD: "Class C0"). This variant has not been reported in the literature in individuals with KCNV2-related conditions. This sequence change replaces glutamic acid with lysine at codon 358 of the KCNV2 protein (p.Glu358Lys). The glutamic acid residue is highly conserved and there is a small physicochemical difference between glutamic acid and lysine.

NM_133497.4(KCNV2):c.1072G>A (p.Glu358Lys)

Gene: KCNV2 (potassium voltage-gated channel modifier subfamily V member 2; plus strand). Cytogenetic location: 9p24.2.
Variant type: single nucleotide variant.
Coding change: c.1072G>A on transcript NM_133497.4 (MANE Select); coding-DNA position 1072, G replaced by A.
Protein change: p.Glu358Lys; replaces glutamic acid 358 with lysine.
Molecular consequence: missense variant.
Genome position (GRCh38, 1-based): chr9:2,718,811, G>A. VCF-style: chr9-2718811-G-A. GRCh37 (hg19) VCF-style: chr9-2718811-G-A.
Other names: short protein forms E358K.
Identifiers: ClinVar variation 938302 (VCV000938302.9), dbSNP rs374211938, ClinGen allele CA187973843.